The following is an entry in ClinVar:

ClinVar aggregate classification (germline): Uncertain significance. Review status: criteria provided, multiple submitters, no conflicts (2 of 4 stars). 3 submissions from 3 submitters: Uncertain significance (3). Last evaluated 2025-06-26.

Conditions:
Inborn genetic diseases. Identifiers: MedGen C0950123, MeSH D030342.
Polyglucosan body myopathy type 1 (PGBM1). Also called: Polyglucosan body myopathy 1 with or without immunodeficiency; POLYGLUCOSAN BODY MYOPATHY WITHOUT IMMUNODEFICIENCY. Identifiers: Orphanet 329173, Orphanet 397937, MedGen C4014605, MONDO:0014389, OMIM 615895.

Allele frequency attached by ClinVar (database versions not stated): gnomAD exomes 0.00002; TOPMed 0.00002; ExAC 0.00003; gnomAD 0.00004.
gnomAD v4.1: 48 of 1,612,324 alleles (0.003%); highest among the groups gnomAD compares: East Asian, 0.06%; no homozygotes.

Submissions (3):

Ambry Genetics
Classification: Uncertain significance for Inborn genetic diseases. Last evaluated: 2025-06-26. Review status: criteria provided, single submitter. Criteria: Ambry Variant Classification Scheme 2023. Collection method: clinical testing. Allele origin: germline.

Labcorp Genetics (formerly Invitae), Labcorp
Classification: Uncertain significance for Polyglucosan body myopathy type 1. Last evaluated: 2024-12-03. Review status: criteria provided, single submitter. Criteria: Invitae Variant Classification Sherloc (09022015). Collection method: clinical testing. Allele origin: germline.
Comment: This sequence change replaces arginine, which is basic and polar, with histidine, which is basic and polar, at codon 314 of the RBCK1 protein (p.Arg314His). This variant is present in population databases (rs759203606, gnomAD 0.01%). This variant has not been reported in the literature in individuals affected with RBCK1-related conditions. ClinVar contains an entry for this variant (Variation ID: 569612). Invitae Evidence Modeling of protein sequence and biophysical properties (such as structural, functional, and spatial information, amino acid conservation, physicochemical variation, residue mobility, and thermodynamic stability) indicates that this missense variant is not expected to disrupt RBCK1 protein function with a negative predictive value of 80%. In summary, the available evidence is currently insufficient to determine the role of this variant in disease. Therefore, it has been classified as a Variant of Uncertain Significance.

Revvity Omics, Revvity
Classification: Uncertain significance for Polyglucosan body myopathy type 1. Last evaluated: 2019-09-13. Review status: criteria provided, single submitter. Criteria: ACMG Guidelines, 2015. Collection method: clinical testing. Allele origin: germline.

NM_031229.4(RBCK1):c.941G>A (p.Arg314His)

Gene: RBCK1 (RANBP2-type and C3HC4-type zinc finger containing 1; plus strand). Cytogenetic location: 20p13.
Variant type: single nucleotide variant.
Coding change: c.941G>A on transcript NM_031229.4 (MANE Select); coding-DNA position 941, G replaced by A.
Protein change: p.Arg314His; replaces arginine 314 with histidine.
Molecular consequence: missense variant. On other transcripts: non-coding transcript variant (1).
Genome position (GRCh38, 1-based): chr20:422,150, G>A. VCF-style: chr20-422150-G-A. GRCh37 (hg19) VCF-style: chr20-402794-G-A.
Other names: c.431G>A, p.Arg144His (NM_001323956.2, NM_001323958.2); c.815G>A, p.Arg272His (NM_006462.6); c.941G>A (NM_031229.2); short protein forms R314H, R144H, R272H.
Identifiers: ClinVar variation 569612 (VCV000569612.13), dbSNP rs759203606, ClinGen allele CA9723235.